The following is an entry in ClinVar:

NM_138701.4(MPLKIP):c.113C>G (p.Pro38Arg)

Gene: MPLKIP (M-phase specific PLK1 interacting protein; minus strand). Cytogenetic location: 7p14.1.
Variant type: single nucleotide variant.
Coding change: c.113C>G on transcript NM_138701.4 (MANE Select); coding-DNA position 113, C replaced by G.
Protein change: p.Pro38Arg; replaces proline 38 with arginine.
Molecular consequence: missense variant.
Genome position (GRCh38, 1-based): chr7:40,134,455, G>C on the plus strand (C>G on the coding strand, the complement: MPLKIP is on the minus strand). VCF-style: chr7-40134455-G-C. GRCh37 (hg19) VCF-style: chr7-40174054-G-C.
Other names: c.113C>G (NM_138701.3); short protein forms P38R.
Identifiers: ClinVar variation 1367078 (VCV001367078.5), dbSNP rs768140543, ClinGen allele CA4229237.

ClinVar aggregate classification (germline): Uncertain significance. Review status: criteria provided, multiple submitters, no conflicts (2 of 4 stars). 2 submissions from 2 submitters: Uncertain significance (2). Last evaluated 2024-10-16.

Conditions:
Inborn genetic diseases. Identifiers: MedGen C0950123, MeSH D030342.

Allele frequency attached by ClinVar (database versions not stated): gnomAD exomes 0.00001; TOPMed 0.00011; gnomAD 0.00012 and 0.00013.
gnomAD v4.1: 31 of 1,568,882 alleles (0.002%); highest among the groups gnomAD compares: African/African-American, 0.038%; no homozygotes.

Submissions (2):

Labcorp Genetics (formerly Invitae), Labcorp
Classification: Uncertain significance. Last evaluated: 2024-10-16. Review status: criteria provided, single submitter. Criteria: Invitae Variant Classification Sherloc (09022015). Collection method: clinical testing. Allele origin: germline.
Comment: This sequence change replaces proline, which is neutral and non-polar, with arginine, which is basic and polar, at codon 38 of the MPLKIP protein (p.Pro38Arg). This variant is present in population databases (rs768140543, gnomAD 0.03%). This variant has not been reported in the literature in individuals affected with MPLKIP-related conditions. ClinVar contains an entry for this variant (Variation ID: 1367078). Experimental studies and prediction algorithms are not available or were not evaluated, and the functional significance of this variant is currently unknown. In summary, the available evidence is currently insufficient to determine the role of this variant in disease. Therefore, it has been classified as a Variant of Uncertain Significance.

Ambry Genetics
Classification: Uncertain significance for Inborn genetic diseases. Last evaluated: 2024-06-11. Review status: criteria provided, single submitter. Criteria: Ambry Variant Classification Scheme 2023. Collection method: clinical testing. Allele origin: germline.